The following is an entry in ClinVar:

NM_001184880.2(PCDH19):c.701A>C (p.Asn234Thr)

Gene: PCDH19 (protocadherin 19; minus strand). Cytogenetic location: Xq22.1.
Variant type: single nucleotide variant.
Coding change: c.701A>C on transcript NM_001184880.2 (MANE Select); coding-DNA position 701, A replaced by C.
Protein change: p.Asn234Thr; replaces asparagine 234 with threonine.
Molecular consequence: missense variant.
Genome position (GRCh38, 1-based): chrX:100,407,897, T>G on the plus strand (A>C on the coding strand, the complement: PCDH19 is on the minus strand). VCF-style: chrX-100407897-T-G. GRCh37 (hg19) VCF-style: chrX-99662895-T-G.
Other names: c.701A>C, p.Asn234Thr (NM_001105243.2, NM_020766.3); short protein forms N234T.
Identifiers: ClinVar variation 1403064 (VCV001403064.6), dbSNP rs1555985475, ClinGen allele CA414008583.

ClinVar aggregate classification (germline): Pathogenic (1 of 4 stars; one submission).

Conditions:
Developmental and epileptic encephalopathy, 9 (DEE9). Also called: Early infantile epileptic encephalopathy 9; EPILEPSY, FEMALE-RESTRICTED, WITH MENTAL RETARDATION; JUBERG-HELLMAN SYNDROME; PCDH19-Related X-Linked Female-Limited Epilepsy with Mental Retardation. Identifiers: Orphanet 101039, Orphanet 2076, MedGen C1848137, MONDO:0010246, OMIM 300088. Disease mechanism: loss of function.

Submission:

Labcorp Genetics (formerly Invitae), Labcorp
Classification: Pathogenic for Developmental and epileptic encephalopathy, 9. Last evaluated: 2023-12-07. Review status: criteria provided, single submitter. Criteria: Invitae Variant Classification Sherloc (09022015). Collection method: clinical testing. Allele origin: germline.
Comment: This sequence change replaces asparagine, which is neutral and polar, with threonine, which is neutral and polar, at codon 234 of the PCDH19 protein (p.Asn234Thr). This variant is not present in population databases (gnomAD no frequency). This missense change has been observed in individual(s) with clinical features of PDCH19-related conditions (Invitae). In at least one individual the variant was observed to be de novo. ClinVar contains an entry for this variant (Variation ID: 1403064). Advanced modeling of protein sequence and biophysical properties (such as structural, functional, and spatial information, amino acid conservation, physicochemical variation, residue mobility, and thermodynamic stability) performed at Invitae indicates that this missense variant is expected to disrupt PCDH19 protein function with a positive predictive value of 95%. For these reasons, this variant has been classified as Pathogenic.